The following is an entry in ClinVar:

NM_000183.3(HADHB):c.1149+2T>C

Gene: HADHB (hydroxyacyl-CoA dehydrogenase trifunctional multienzyme complex subunit beta; plus strand). Cytogenetic location: 2p23.3.
Variant type: single nucleotide variant.
Coding change: c.1149+2T>C on transcript NM_000183.3 (MANE Select); the canonical splice donor site of the intron after coding-DNA position 1149, T replaced by C.
Molecular consequence: splice donor variant.
Genome position (GRCh38, 1-based): chr2:26,284,206, T>C. VCF-style: chr2-26284206-T-C. GRCh37 (hg19) VCF-style: chr2-26507074-T-C.
Other names: c.1083+2T>C (NM_001281513.2); c.1104+2T>C (NM_001281512.2).
Identifiers: ClinVar variation 2675991 (VCV002675991.5), dbSNP rs2465734892, ClinGen allele CA346096009.

ClinVar aggregate classification (germline): Likely pathogenic. Review status: criteria provided, multiple submitters, no conflicts (2 of 4 stars). 2 submissions from 2 submitters: Likely pathogenic (2). Last evaluated 2023-05-29.

Conditions:
Mitochondrial trifunctional protein deficiency. Identifiers: Orphanet 746, MedGen C1969443, MONDO:0012172.

gnomAD v4.1: 1 of 1,499,752 alleles (0.000067%); highest among the groups gnomAD compares: Non-Finnish European, 0.000093%; no homozygotes.

Submissions (3):

Baylor Genetics
Classification: Likely pathogenic for Mitochondrial trifunctional protein deficiency 1. Last evaluated: 2023-05-29. Review status: criteria provided, single submitter. Criteria: ACMG Guidelines, 2015. Collection method: clinical testing. Allele origin: unknown.

Labcorp Genetics (formerly Invitae), Labcorp
Classification: Likely pathogenic for Mitochondrial trifunctional protein deficiency. Last evaluated: 2023-05-11. Review status: criteria provided, single submitter. Criteria: Invitae Variant Classification Sherloc (09022015). Collection method: clinical testing. Allele origin: germline.
Comment: This sequence change affects a donor splice site in intron 13 of the HADHB gene. It is expected to disrupt RNA splicing. Variants that disrupt the donor or acceptor splice site typically lead to a loss of protein function (PMID: 16199547), and loss-of-function variants in HADHB are known to be pathogenic (PMID: 9259266, 12754706). In summary, the currently available evidence indicates that the variant is pathogenic, but additional data are needed to prove that conclusively. Therefore, this variant has been classified as Likely Pathogenic. Algorithms developed to predict the effect of sequence changes on RNA splicing suggest that this variant may disrupt the consensus splice site. This variant has not been reported in the literature in individuals affected with HADHB-related conditions. This variant is not present in population databases (gnomAD no frequency).

Dr. Peter K. Rogan Lab, Western University
No classification provided (evidence only). Condition: Thyroid cancer, nonmedullary, 1. Review status: no classification provided. Collection method: in vitro. Allele origin: not applicable. Functional consequence: skipped exon. Not counted in ClinVar's aggregate classification.

Literature cited by the submitters: PubMed 16199547 (cited by Labcorp Genetics (formerly Invitae), Labcorp); PubMed 9259266 (cited by Labcorp Genetics (formerly Invitae), Labcorp); PubMed 12754706 (cited by Labcorp Genetics (formerly Invitae), Labcorp).